The following is an entry in ClinVar:

ClinVar aggregate classification (germline): Likely benign. Review status: criteria provided, multiple submitters, no conflicts (2 of 4 stars). 2 submissions from 2 submitters: Likely benign (2). Last evaluated 2024-12-12.

Allele frequency attached by ClinVar (database versions not stated): gnomAD 0.00004; TOPMed 0.00004; ESP Exome Variant Server 0.00008.
gnomAD v4.1: 18 of 1,614,076 alleles (0.0011%); highest among the groups gnomAD compares: African/African-American, 0.013%; no homozygotes.

Submissions (2):

Labcorp Genetics (formerly Invitae), Labcorp
Classification: Likely benign. Last evaluated: 2024-12-12. Review status: criteria provided, single submitter. Criteria: Invitae Variant Classification Sherloc (09022015). Collection method: clinical testing. Allele origin: germline.

GeneDx
Classification: Likely benign. Last evaluated: 2017-07-07. Review status: criteria provided, single submitter. Criteria: GeneDx Variant Classification (06012015). Collection method: clinical testing. Allele origin: germline. Affected: yes.
Comment: This variant is considered likely benign or benign based on one or more of the following criteria: it is a conservative change, it occurs at a poorly conserved position in the protein, it is predicted to be benign by multiple in silico algorithms, and/or has population frequency not consistent with disease.

NM_025207.5(FLAD1):c.1555-19T>G

Gene: FLAD1 (flavin adenine dinucleotide synthetase 1; plus strand). Cytogenetic location: 1q21.3.
Variant type: single nucleotide variant.
Coding change: c.1555-19T>G on transcript NM_025207.5 (MANE Select); 19 bases into the intron before coding-DNA position 1555, T replaced by G.
Molecular consequence: intron variant.
Genome position (GRCh38, 1-based): chr1:154,992,694, T>G. VCF-style: chr1-154992694-T-G. GRCh37 (hg19) VCF-style: chr1-154965170-T-G.
Other names: c.1264-19T>G (NM_001184891.2, NM_201398.3).
Identifiers: ClinVar variation 518060 (VCV000518060.5), dbSNP rs369848433, ClinGen allele CA1134620.